The following is an entry in ClinVar:

NM_177438.3(DICER1):c.5365-5A>G

Gene: DICER1 (dicer 1, ribonuclease III; minus strand). Cytogenetic location: 14q32.13.
Variant type: single nucleotide variant.
Coding change: c.5365-5A>G on transcript NM_177438.3 (MANE Select); 5 bases into the intron before coding-DNA position 5365, A replaced by G.
Molecular consequence: intron variant.
Genome position (GRCh38, 1-based): chr14:95,091,370, T>C on the plus strand (A>G on the coding strand, the complement: DICER1 is on the minus strand). VCF-style: chr14-95091370-T-C. GRCh37 (hg19) VCF-style: chr14-95557707-T-C.
Other names: c.5365-5A>G (NM_177438.2, NM_001291628.2, NM_030621.4 and 1 more transcripts); c.5365-261A>G (NM_001195573.1).
Identifiers: ClinVar variation 1138363 (VCV001138363.12), dbSNP rs2139780112, ClinGen allele CA2499222790.

ClinVar aggregate classification (germline): Conflicting classifications of pathogenicity. Review status: criteria provided, conflicting classifications (1 of 4 stars). 2 submissions from 2 submitters: Uncertain significance (1); Likely benign (1). Last evaluated 2025-11-03.

Conditions:
DICER1-related tumor predisposition. Also called: DICER1-related pleuropulmonary blastoma cancer predisposition syndrome; DICER1 syndrome. Identifiers: Orphanet 284343, MedGen C3839822, MONDO:0100216.
Hereditary cancer-predisposing syndrome. Also called: Neoplastic Syndromes, Hereditary; Hereditary neoplastic syndrome; Tumor predisposition; Hereditary Cancer Syndrome. Identifiers: Orphanet 140162, MedGen C0027672, MeSH D009386, MONDO:0015356.

Allele frequency attached by ClinVar (database versions not stated): gnomAD exomes below 0.00001.
gnomAD v4.1: 2 of 1,614,010 alleles (0.00012%); highest among the groups gnomAD compares: Non-Finnish European, 0.00017%; no homozygotes.

Submissions (2):

Labcorp Genetics (formerly Invitae), Labcorp
Classification: Likely benign for DICER1-related tumor predisposition. Last evaluated: 2025-11-03. Review status: criteria provided, single submitter. Criteria: Invitae Variant Classification Sherloc (09022015). Collection method: clinical testing. Allele origin: germline.

Ambry Genetics
Classification: Uncertain significance for Hereditary cancer-predisposing syndrome. Last evaluated: 2025-05-05. Review status: criteria provided, single submitter. Criteria: Ambry Variant Classification Scheme 2023. Collection method: clinical testing. Allele origin: germline.
Comment: The c.5365-5A>G intronic variant results from an A to G substitution 5 nucleotides upstream from coding exon 24 in the DICER1 gene. This nucleotide position is well conserved in available vertebrate species. In silico splice site analysis predicts that this alteration may result in the creation or strengthening of a novel splice acceptor site; however, direct evidence is insufficient at this time (Ambry internal data). Based on the available evidence, the clinical significance of this variant remains unclear.